The following is an entry in ClinVar:

ClinVar aggregate classification (germline): Uncertain significance. Review status: criteria provided, multiple submitters, no conflicts (2 of 4 stars). 2 submissions from 2 submitters: Uncertain significance (2). Last evaluated 2025-05-06.

Conditions:
Emery-Dreifuss muscular dystrophy (EDMD). Also called: Scapuloperoneal syndrome, X-linked (formerly); Humeroperoneal neuromuscular disease, (formerly). Identifiers: Orphanet 261, MedGen C0410189, MONDO:0016830.

Allele frequency attached by ClinVar (database versions not stated): gnomAD exomes 0.00001 and 0.00002; ExAC 0.00002; TOPMed 0.00005; ESP Exome Variant Server 0.00008.
gnomAD v4.1: 19 of 1,613,624 alleles (0.0012%); highest among the groups gnomAD compares: Non-Finnish European, 0.00093%; no homozygotes.

Submissions (2):

Ambry Genetics
Classification: Uncertain significance. Last evaluated: 2025-05-06. Review status: criteria provided, single submitter. Criteria: Ambry Variant Classification Scheme 2023. Collection method: clinical testing. Allele origin: germline.

Labcorp Genetics (formerly Invitae), Labcorp
Classification: Uncertain significance for Emery-Dreifuss muscular dystrophy. Last evaluated: 2023-07-10. Review status: criteria provided, single submitter. Criteria: Invitae Variant Classification Sherloc (09022015). Collection method: clinical testing. Allele origin: germline.
Comment: An algorithm developed to predict the effect of missense changes on protein structure and function (PolyPhen-2) suggests that this variant is likely to be disruptive. In summary, the available evidence is currently insufficient to determine the role of this variant in disease. Therefore, it has been classified as a Variant of Uncertain Significance. ClinVar contains an entry for this variant (Variation ID: 1021227). This variant has not been reported in the literature in individuals affected with SUN2-related conditions. This variant is present in population databases (rs148038201, gnomAD 0.03%). This sequence change replaces glutamic acid, which is acidic and polar, with aspartic acid, which is acidic and polar, at codon 489 of the SUN2 protein (p.Glu489Asp).

NM_015374.3(SUN2):c.1467G>C (p.Glu489Asp)

Genes: GTPBP1 (GTP binding protein 1; plus strand), SUN2 (Sad1 and UNC84 domain containing 2; minus strand). Cytogenetic location: 22q13.1.
Variant type: single nucleotide variant.
Coding change: c.1467G>C on transcript NM_015374.3 (MANE Select); coding-DNA position 1467, G replaced by C.
Protein change: p.Glu489Asp; replaces glutamic acid 489 with aspartic acid.
Molecular consequence: missense variant.
Genome position (GRCh38, 1-based): chr22:38,739,833, C>G on the plus strand (G>C on the coding strand, the complement: SUN2 is on the minus strand). VCF-style: chr22-38739833-C-G. GRCh37 (hg19) VCF-style: chr22-39135838-C-G.
Other names: c.1467G>C (NM_015374.2); c.1530G>C, p.Glu510Asp (NM_001199579.2); c.1467G>C, p.Glu489Asp (NM_001199580.2); short protein forms E489D, E510D.
Identifiers: ClinVar variation 1021227 (VCV001021227.9), dbSNP rs148038201, ClinGen allele CA10235544.